The following is an entry in ClinVar:

ClinVar aggregate classification (germline): Uncertain significance (1 of 4 stars; one submission).

Conditions:
Hereditary cancer-predisposing syndrome. Also called: Neoplastic Syndromes, Hereditary; Hereditary Cancer Syndrome; Hereditary neoplastic syndrome; Tumor predisposition. Identifiers: Orphanet 140162, MedGen C0027672, MeSH D009386, MONDO:0015356.

gnomAD v4.1: 1 of 1,612,858 alleles (0.000062%); no homozygotes.

Submission:

Ambry Genetics
Classification: Uncertain significance for Hereditary cancer-predisposing syndrome. Last evaluated: 2023-05-14. Review status: criteria provided, single submitter. Criteria: Ambry Variant Classification Scheme 2023. Collection method: clinical testing. Allele origin: germline.
Comment: The p.S264P variant (also known as c.790T>C), located in coding exon 7 of the MRE11A gene, results from a T to C substitution at nucleotide position 790. The serine at codon 264 is replaced by proline, an amino acid with similar properties. This amino acid position is conserved. In addition, the in silico prediction for this alteration is inconclusive. Since supporting evidence is limited at this time, the clinical significance of this alteration remains unclear.

NM_005591.4(MRE11):c.790T>C (p.Ser264Pro)

Gene: MRE11 (MRE11 double strand break repair nuclease; minus strand). Cytogenetic location: 11q21.
Variant type: single nucleotide variant.
Coding change: c.790T>C on transcript NM_005591.4 (MANE Select); coding-DNA position 790, T replaced by C.
Protein change: p.Ser264Pro; replaces serine 264 with proline.
Molecular consequence: missense variant.
Genome position (GRCh38, 1-based): chr11:94,471,629, A>G on the plus strand (T>C on the coding strand, the complement: MRE11 is on the minus strand). VCF-style: chr11-94471629-A-G. GRCh37 (hg19) VCF-style: chr11-94204795-A-G.
Other names: c.790T>C, p.Ser264Pro (NM_001330347.2, NM_005590.4); short protein forms S264P.
Identifiers: ClinVar variation 2565910 (VCV002565910.2), dbSNP rs2496494990, ClinGen allele CA382375618.